The following is an entry in ClinVar:

ClinVar aggregate classification (germline): Uncertain significance (1 of 4 stars; one submission).

Submissions (2):

Women's Health and Genetics/Laboratory Corporation of America, LabCorp
Classification: Uncertain significance. Last evaluated: 2023-06-19. Review status: criteria provided, single submitter. Criteria: LabCorp Variant Classification Summary - May 2015. Collection method: clinical testing. Allele origin: germline.
Comment: Variant summary: SRPX2 c.355+1G>C is located in a canonical splice-site and is predicted to affect mRNA splicing resulting in a significantly altered protein due to either exon skipping, shortening, or inclusion of intronic material. Several computational tools predict a significant impact on normal splicing: Four predict the variant abolishes a canonical 5' splicing donor site. However, these predictions have yet to be confirmed by functional studies. The variant was absent in 182906 control chromosomes (gnomAD). The available data on variant occurrences in the general population are insufficient to allow any conclusion about variant significance. To our knowledge, no occurrence of c.355+1G>C in individuals affected with Rolandic Epilepsy With Mental Retardation And Speech Dyspraxia, X-Linked and no experimental evidence demonstrating its impact on protein function have been reported. No submitters have cited clinical-significance assessments for this variant to ClinVar after 2014. Based on the evidence outlined above, the variant was classified as uncertain significance.

Dr. Peter K. Rogan Lab, Western University
No classification provided (evidence only). Condition: Thyroid cancer, nonmedullary, 1. Review status: no classification provided. Collection method: in vitro. Allele origin: not applicable. Functional consequence: retained intron. Not counted in ClinVar's aggregate classification.

NM_014467.3(SRPX2):c.355+1G>C

Gene: SRPX2 (sushi repeat containing protein X-linked 2; plus strand). Cytogenetic location: Xq22.1.
Variant type: single nucleotide variant.
Coding change: c.355+1G>C on transcript NM_014467.3 (MANE Select); the canonical splice donor site of the intron after coding-DNA position 355, G replaced by C.
Molecular consequence: splice donor variant.
Genome position (GRCh38, 1-based): chrX:100,662,368, G>C. VCF-style: chrX-100662368-G-C. GRCh37 (hg19) VCF-style: chrX-99917365-G-C.
Other names: NC_000023.10:g.99917365G>C.
Identifiers: ClinVar variation 2573570 (VCV002573570.2), dbSNP rs2520306677, ClinGen allele CA413931586.